The following is an entry in ClinVar:

NM_024747.6(HPS6):c.1346C>G (p.Ser449Cys)

Gene: HPS6 (HPS6 biogenesis of lysosomal organelles complex 2 subunit 3; plus strand). Cytogenetic location: 10q24.32.
Variant type: single nucleotide variant.
Coding change: c.1346C>G on transcript NM_024747.6 (MANE Select); coding-DNA position 1346, C replaced by G.
Protein change: p.Ser449Cys; replaces serine 449 with cysteine.
Molecular consequence: missense variant.
Genome position (GRCh38, 1-based): chr10:102,066,820, C>G. VCF-style: chr10-102066820-C-G. GRCh37 (hg19) VCF-style: chr10-103826577-C-G.
Other names: short protein forms S449C.
Identifiers: ClinVar variation 879248 (VCV000879248.14), dbSNP rs141068948, ClinGen allele CA5659965.

ClinVar aggregate classification (germline): Uncertain significance. Review status: criteria provided, multiple submitters, no conflicts (2 of 4 stars). 7 submissions from 7 submitters: Uncertain significance (6). 1 of the submissions does not count toward it. Last evaluated 2025-01-20.

Conditions:
Hermansky-Pudlak syndrome 6 (HPS6). Identifiers: Orphanet 231512, Orphanet 79430, MedGen C3888007, MONDO:0013558, OMIM 614075.
HPS6-related disorder. Also called: HPS6-related condition.
Inborn genetic diseases. Identifiers: MedGen C0950123, MeSH D030342.

Allele frequency attached by ClinVar (database versions not stated): ExAC 0.00017; gnomAD exomes 0.00017 and 0.00031; TOPMed 0.00019; gnomAD 0.00020 and 0.00021; ESP Exome Variant Server 0.00023.

Submissions (7):

Women's Health and Genetics/Laboratory Corporation of America, LabCorp
Classification: Uncertain significance. Last evaluated: 2025-01-20. Review status: criteria provided, single submitter. Criteria: LabCorp Variant Classification Summary - May 2015. Collection method: clinical testing. Allele origin: germline.
Comment: Variant summary: HPS6 c.1346C>G (p.Ser449Cys) results in a non-conservative amino acid change located in the Hermansky-Pudlak syndrome 6 protein C-terminal domain of the encoded protein sequence. Three of five in-silico tools predict a damaging effect of the variant on protein function. The variant allele was found at a frequency of 0.00017 in 251388 control chromosomes in the gnomAD database, including 1 homozygotes. This frequency is not significantly higher than estimated for a pathogenic variant in HPS6 causing Hermansky-Pudlak Syndrome (0.00017 vs 0.00063), allowing no conclusion about variant significance. To our knowledge, no occurrence of c.1346C>G in individuals affected with Hermansky-Pudlak Syndrome and no experimental evidence demonstrating its impact on protein function have been reported. ClinVar contains an entry for this variant (Variation ID: 879248). Based on the evidence outlined above, the variant was classified as uncertain significance.

Labcorp Genetics (formerly Invitae), Labcorp
Classification: Uncertain significance. Last evaluated: 2025-01-13. Review status: criteria provided, single submitter. Criteria: Invitae Variant Classification Sherloc (09022015). Collection method: clinical testing. Allele origin: germline.
Comment: This sequence change replaces serine, which is neutral and polar, with cysteine, which is neutral and slightly polar, at codon 449 of the HPS6 protein (p.Ser449Cys). This variant is present in population databases (rs141068948, gnomAD 0.03%), including at least one homozygous and/or hemizygous individual. This variant has not been reported in the literature in individuals affected with HPS6-related conditions. ClinVar contains an entry for this variant (Variation ID: 879248). Invitae Evidence Modeling of protein sequence and biophysical properties (such as structural, functional, and spatial information, amino acid conservation, physicochemical variation, residue mobility, and thermodynamic stability) indicates that this missense variant is not expected to disrupt HPS6 protein function with a negative predictive value of 80%. In summary, the available evidence is currently insufficient to determine the role of this variant in disease. Therefore, it has been classified as a Variant of Uncertain Significance.

Ambry Genetics
Classification: Uncertain significance for Inborn genetic diseases. Last evaluated: 2024-11-15. Review status: criteria provided, single submitter. Criteria: Ambry Variant Classification Scheme 2023. Collection method: clinical testing. Allele origin: germline.

Fulgent Genetics
Classification: Uncertain significance for Hermansky-Pudlak syndrome 6. Last evaluated: 2022-04-26. Review status: criteria provided, single submitter. Criteria: ACMG Guidelines, 2015. Collection method: clinical testing. Allele origin: unknown.

Department of Pathology and Laboratory Medicine, Sinai Health System
Classification: Uncertain significance for Hermansky-Pudlak syndrome 6. Last evaluated: 2021-07-30. Review status: criteria provided, single submitter. Criteria: ACMG Guidelines, 2015. Collection method: research. Allele origin: germline.

Illumina Laboratory Services, Illumina
Classification: Uncertain significance for Hermansky-Pudlak syndrome 6. Last evaluated: 2018-01-13. Review status: criteria provided, single submitter. Criteria: ICSL Variant Classification Criteria 13 December 2019. Collection method: clinical testing. Allele origin: germline.

PreventionGenetics, part of Exact Sciences
Classification: Uncertain significance for HPS6-related condition. Last evaluated: 2024-04-30. Review status: no assertion criteria provided. Collection method: clinical testing. Allele origin: germline. Not counted in ClinVar's aggregate classification.
Comment: The HPS6 c.1346C>G variant is predicted to result in the amino acid substitution p.Ser449Cys. To our knowledge, this variant has not been reported in the literature. This variant is reported in 0.029% of alleles in individuals of European (Non-Finnish) descent in gnomAD, including one homozygote. At this time, the clinical significance of this variant is uncertain due to the absence of conclusive functional and genetic evidence.